The following is an entry in ClinVar:

NM_001330691.3(CEP78):c.818C>G (p.Ala273Gly)

Gene: CEP78 (centrosomal protein 78; plus strand). Cytogenetic location: 9q21.2.
Variant type: single nucleotide variant.
Coding change: c.818C>G on transcript NM_001330691.3 (MANE Select); coding-DNA position 818, C replaced by G.
Protein change: p.Ala273Gly; replaces alanine 273 with glycine.
Molecular consequence: missense variant.
Genome position (GRCh38, 1-based): chr9:78,246,708, C>G. VCF-style: chr9-78246708-C-G. GRCh37 (hg19) VCF-style: chr9-80861624-C-G.
Other names: c.818C>G, p.Ala273Gly (NM_001098802.3, NM_001330693.3, NM_001330694.2 and 4 more transcripts); short protein forms A273G.
Identifiers: ClinVar variation 1505566 (VCV001505566.4), dbSNP rs1446772851, ClinGen allele CA373855707.
Genomic context (GRCh38, chr9:78,246,708, plus strand): 5'-CCCTTTGTCTTTCATCGAAAGCTCTTGACCTGCAACAGTGCGGCCTCACCAATGAAGGAG[C>G]AAAGGCTTTGCTAGAGGCCCTTGAAACCAATACAACTCTGGTCGTTCTGGATATAAGAAA-3'
Protein context (NP_001317620.1, residues 263-283): LQQCGLTNEG[Ala273Gly]KALLEALETN

ClinVar aggregate classification (germline): Uncertain significance (1 of 4 stars; one submission).

Allele frequency attached by ClinVar (database versions not stated): gnomAD exomes 0.00001; gnomAD 0.00002; TOPMed 0.00002.
gnomAD v4.1: 12 of 1,610,938 alleles (0.00074%); highest among the groups gnomAD compares: Non-Finnish European, 0.001%; no homozygotes.

Submission:

Labcorp Genetics (formerly Invitae), Labcorp
Classification: Uncertain significance. Last evaluated: 2022-07-30. Review status: criteria provided, single submitter. Criteria: Invitae Variant Classification Sherloc (09022015). Collection method: clinical testing. Allele origin: germline.
Comment: In summary, the available evidence is currently insufficient to determine the role of this variant in disease. Therefore, it has been classified as a Variant of Uncertain Significance. Algorithms developed to predict the effect of missense changes on protein structure and function are either unavailable or do not agree on the potential impact of this missense change (SIFT: "Tolerated"; PolyPhen-2: "Probably Damaging"; Align-GVGD: "Class C0"). ClinVar contains an entry for this variant (Variation ID: 1505566). This variant has not been reported in the literature in individuals affected with CEP78-related conditions. This variant is not present in population databases (gnomAD no frequency). This sequence change replaces alanine, which is neutral and non-polar, with glycine, which is neutral and non-polar, at codon 273 of the CEP78 protein (p.Ala273Gly).